The following is an entry in ClinVar:

NM_001142864.4(PIEZO1):c.7057C>T (p.Pro2353Ser)

Gene: PIEZO1 (piezo type mechanosensitive ion channel component 1 (Er blood group); minus strand). Cytogenetic location: 16q24.3.
Variant type: single nucleotide variant.
Coding change: c.7057C>T on transcript NM_001142864.4 (MANE Select); coding-DNA position 7057, C replaced by T.
Protein change: p.Pro2353Ser; replaces proline 2353 with serine.
Molecular consequence: missense variant.
Genome position (GRCh38, 1-based): chr16:88,716,270, G>A on the plus strand (C>T on the coding strand, the complement: PIEZO1 is on the minus strand). VCF-style: chr16-88716270-G-A. GRCh37 (hg19) VCF-style: chr16-88782678-G-A.
Other names: short protein forms P2353S.
Identifiers: ClinVar variation 3600485 (VCV003600485.1).

ClinVar aggregate classification (germline): Uncertain significance (1 of 4 stars; one submission).

Conditions:
Lymphatic malformation 6 (LMPHM6). Also called: GENERALIZED LYMPHATIC DYSPLASIA OF FOTIOU; Lymphedema, hereditary, III; PIEZO1-related generalized lymphatic dysplasia with non-immune hydrops fetalis. Identifiers: Orphanet 568062, MedGen C4225184, MONDO:0014797, OMIM 616843.

gnomAD v4.1: 1 of 1,491,130 alleles (0.000067%); no homozygotes.

Submission:

Clinical Genomics Laboratory, Washington University in St. Louis
Classification: Uncertain significance for Lymphatic malformation 6. Last evaluated: 2024-11-25. Review status: criteria provided, single submitter. Criteria: ACMG Guidelines, 2015. Collection method: clinical testing. Allele origin: germline.
Comment: A PIEZO1 c.7057C>T (p.Pro2353Ser) variant was identified at a near heterozygous allelic fraction of 48.9%, a frequency that may be consistent with a germline variant. This variant, to our knowledge, has not been reported in the medical literature. It is only observed on 1/1,491,130 alleles in the general population (gnomAD v.4.1.0), indicating it is not a common variant. Computational predictors suggest that the variant does not impact PIEZO1 function. Due to limited information, and based on ACMG/AMP guidelines for variant interpretation (Richards S et al., PMID: 25741868), the clinical significance of this variant is uncertain at this time.